The following is an entry in ClinVar:

ClinVar aggregate classification (germline): Conflicting classifications of pathogenicity. Review status: criteria provided, conflicting classifications (1 of 4 stars). 10 submissions from 10 submitters: Uncertain significance (1); Benign (1); Likely benign (5). 3 of the submissions do not count toward it. Last evaluated 2026-04-01.

Conditions:
MEGF10-related disorder. Also called: MEGF10-related condition.
MEGF10-related myopathy (CMYO10A). Also called: Congenital myopathy 10A, severe variant. Identifiers: Orphanet 439212, MedGen C3280679, MONDO:0013731, OMIM 614399.

Allele frequency attached by ClinVar (database versions not stated): 1000 Genomes Project 30x 0.00062; 1000 Genomes Project 0.00080; gnomAD 0.00098 and 0.00101; gnomAD exomes 0.00115 and 0.00155; ESP Exome Variant Server 0.00131; TOPMed 0.00134; ExAC 0.00158.
gnomAD v4.1: 1,930 of 1,611,820 alleles (0.12%); highest among the groups gnomAD compares: Middle Eastern, 1.4%; 12 homozygotes.

Submissions (10):

CeGaT Center for Human Genetics Tuebingen
Classification: Likely benign. Last evaluated: 2026-04-01. Review status: criteria provided, single submitter. Criteria: CeGaT Center For Human Genetics Tuebingen Variant Classification Criteria Version 2. Collection method: clinical testing. Allele origin: germline. Affected: yes. Observed: 6 variant alleles.
Comment: MEGF10: BP4, BS2

Labcorp Genetics (formerly Invitae), Labcorp
Classification: Benign for MEGF10-related myopathy. Last evaluated: 2026-01-27. Review status: criteria provided, single submitter. Criteria: Invitae Variant Classification Sherloc (09022015). Collection method: clinical testing. Allele origin: germline.

Blueprint Genetics
Classification: Likely benign. Last evaluated: 2024-11-23. Review status: criteria provided, single submitter. Criteria: ACMG Guidelines, 2015. Collection method: clinical testing. Allele origin: germline.

GeneDx
Classification: Likely benign. Last evaluated: 2021-03-01. Review status: criteria provided, single submitter. Criteria: GeneDx Variant Classification Process June 2021. Collection method: clinical testing. Allele origin: germline. Affected: yes.

Illumina Laboratory Services, Illumina
Classification: Uncertain significance for MEGF10-related myopathy. Last evaluated: 2018-01-13. Review status: criteria provided, single submitter. Criteria: ICSL Variant Classification Criteria 13 December 2019. Collection method: clinical testing. Allele origin: germline.

Genetic Services Laboratory, University of Chicago
Classification: Likely benign. Last evaluated: 2017-11-03. Review status: criteria provided, single submitter. Criteria: ACMG Guidelines, 2015. Collection method: clinical testing. Allele origin: germline. Affected: no.

Athena Diagnostics
Classification: Likely benign. Last evaluated: 2017-03-28. Review status: criteria provided, single submitter. Criteria: Athena Diagnostics Criteria. Collection method: clinical testing. Allele origin: germline.

PreventionGenetics, part of Exact Sciences
Classification: Benign for MEGF10-related condition. Last evaluated: 2021-07-21. Review status: no assertion criteria provided. Collection method: clinical testing. Allele origin: germline. Not counted in ClinVar's aggregate classification.
Comment: This variant is classified as benign based on ACMG/AMP sequence variant interpretation guidelines (Richards et al. 2015 PMID: 25741868, with internal and published modifications).

Clinical Genetics DNA and cytogenetics Diagnostics Lab, Erasmus MC, Erasmus Medical Center
Classification: Likely benign. Review status: no assertion criteria provided. Collection method: clinical testing. Allele origin: germline. Affected: yes. Study: VKGL Data-share Consensus. Not counted in ClinVar's aggregate classification.

Laboratory of Diagnostic Genome Analysis, Leiden University Medical Center (LUMC)
Classification: Likely benign. Review status: no assertion criteria provided. Collection method: clinical testing. Allele origin: germline. Affected: yes. Study: VKGL Data-share Consensus. Not counted in ClinVar's aggregate classification.

NM_001256545.2(MEGF10):c.3026-8C>T

Gene: MEGF10 (multiple EGF like domains 10; plus strand). Cytogenetic location: 5q23.2.
Variant type: single nucleotide variant.
Coding change: c.3026-8C>T on transcript NM_001256545.2 (MANE Select); 8 bases into the intron before coding-DNA position 3026, C replaced by T.
Molecular consequence: intron variant.
Genome position (GRCh38, 1-based): chr5:127,455,393, C>T. VCF-style: chr5-127455393-C-T. GRCh37 (hg19) VCF-style: chr5-126791085-C-T.
Other names: c.3026-8C>T (NM_032446.3).
Identifiers: ClinVar variation 350669 (VCV000350669.70), dbSNP rs185480820, ClinGen allele CA3392125.
Genomic context (GRCh38, chr5:127,455,393, plus strand): 5'-AAATATCACCAAGAAATGATGTTGCCAGTGACACAGCATTAGCTTTCTCTTCTCATTTCT[C>T]TTCACAGACCTGGGAAAGAATTCTGAATATAATTCAAGTAACTGCTCCCTAAGCAGTTCT-3'